The following is an entry in ClinVar:

ClinVar aggregate classification (germline): Conflicting classifications of pathogenicity. Review status: criteria provided, conflicting classifications (1 of 4 stars). 2 submissions from 2 submitters: Uncertain significance (1); Likely benign (1). Last evaluated 2023-11-30.

Conditions:
Cardiovascular phenotype. Identifiers: MedGen CN230736.
Alstrom syndrome (ALMS). Identifiers: Orphanet 64, MedGen C0268425, MONDO:0008763, OMIM 203800.

Allele frequency attached by ClinVar (database versions not stated): TOPMed below 0.00001; gnomAD 0.00001.
gnomAD v4.1: 2 of 1,581,370 alleles (0.00013%); highest among the groups gnomAD compares: Non-Finnish European, 0.000085%; no homozygotes.

Submissions (2):

Ambry Genetics
Classification: Likely benign for Cardiovascular phenotype. Last evaluated: 2023-11-30. Review status: criteria provided, single submitter. Criteria: Ambry Variant Classification Scheme 2023. Collection method: clinical testing. Allele origin: germline.

Labcorp Genetics (formerly Invitae), Labcorp
Classification: Uncertain significance for Alstrom syndrome. Last evaluated: 2022-02-12. Review status: criteria provided, single submitter. Criteria: Invitae Variant Classification Sherloc (09022015). Collection method: clinical testing. Allele origin: germline.
Comment: This sequence change replaces alanine, which is neutral and non-polar, with glycine, which is neutral and non-polar, at codon 522 of the ALMS1 protein (p.Ala522Gly). This variant is not present in population databases (gnomAD no frequency). This variant has not been reported in the literature in individuals affected with ALMS1-related conditions. Experimental studies and prediction algorithms are not available or were not evaluated, and the functional significance of this variant is currently unknown. In summary, the available evidence is currently insufficient to determine the role of this variant in disease. Therefore, it has been classified as a Variant of Uncertain Significance.

NM_001378454.1(ALMS1):c.1562C>G (p.Ala521Gly)

Gene: ALMS1 (ALMS1 centrosome and basal body associated protein; plus strand). Cytogenetic location: 2p13.1.
Variant type: single nucleotide variant.
Coding change: c.1562C>G on transcript NM_001378454.1 (MANE Select); coding-DNA position 1562, C replaced by G.
Protein change: p.Ala521Gly; replaces alanine 521 with glycine.
Molecular consequence: missense variant.
Genome position (GRCh38, 1-based): chr2:73,448,089, C>G. VCF-style: chr2-73448089-C-G. GRCh37 (hg19) VCF-style: chr2-73675219-C-G.
Other names: c.1565C>G, p.Ala522Gly (NM_015120.4); short protein forms A521G, A522G.
Identifiers: ClinVar variation 2141524 (VCV002141524.2), dbSNP rs1042904406, ClinGen allele CA50391016.